The following is an entry in ClinVar:

NM_000053.4(ATP7B):c.3471C>T (p.Asn1157=)

Gene: ATP7B (ATPase copper transporting beta; minus strand). Cytogenetic location: 13q14.3.
Variant type: single nucleotide variant.
Coding change: c.3471C>T on transcript NM_000053.4 (MANE Select); coding-DNA position 3471, C replaced by T.
Protein change: p.Asn1157=; no amino-acid change (asparagine 1157 retained).
Molecular consequence: synonymous variant.
Genome position (GRCh38, 1-based): chr13:51,941,166, G>A on the plus strand (C>T on the coding strand, the complement: ATP7B is on the minus strand). VCF-style: chr13-51941166-G-A. GRCh37 (hg19) VCF-style: chr13-52515302-G-A.
Other names: c.2850C>T, p.Asn950= (NM_001005918.3); c.3138C>T, p.Asn1046= (NM_001243182.2); c.3237C>T, p.Asn1079= (NM_001330578.2); c.3219C>T, p.Asn1073= (NM_001330579.2).
Identifiers: ClinVar variation 1134461 (VCV001134461.12), dbSNP rs764481833, ClinGen allele CA6988678.

ClinVar aggregate classification (germline): Likely benign. Review status: criteria provided, multiple submitters, no conflicts (2 of 4 stars). 3 submissions from 3 submitters: Likely benign (3). Last evaluated 2025-12-22.

Conditions:
Wilson disease (WND). Also called: Wilson's disease. Identifiers: Orphanet 905, MedGen C0019202, MONDO:0010200, OMIM 277900. Disease mechanism: loss of function.
Inborn genetic diseases. Identifiers: MedGen C0950123, MeSH D030342.

Allele frequency attached by ClinVar (database versions not stated): gnomAD exomes 0.00001 and 0.00002; ExAC 0.00002; gnomAD 0.00002; TOPMed 0.00003.
gnomAD v4.1: 12 of 1,614,050 alleles (0.00074%); highest among the groups gnomAD compares: Middle Eastern, 0.016%; no homozygotes.

Submissions (3):

Labcorp Genetics (formerly Invitae), Labcorp
Classification: Likely benign for Wilson disease. Last evaluated: 2025-12-22. Review status: criteria provided, single submitter. Criteria: Invitae Variant Classification Sherloc (09022015). Collection method: clinical testing. Allele origin: germline.

All of Us Research Program, National Institutes of Health
Classification: Likely benign for Wilson disease. Last evaluated: 2023-04-27. Review status: criteria provided, single submitter. Criteria: ACMG Guidelines, 2015. Collection method: clinical testing. Allele origin: germline. Inheritance: Autosomal recessive inheritance. Observed: 1 variant allele, 1 heterozygote.
Comment: This study involves interpretation of variants in research participants for the purpose of population health screening. Participant phenotype was not available at the time of variant classification. Additional details can be found in publication PMID: 35346344, PMCID: PMC8962531

Ambry Genetics
Classification: Likely benign for Inborn genetic diseases. Last evaluated: 2022-08-16. Review status: criteria provided, single submitter. Criteria: Ambry Variant Classification Scheme 2023. Collection method: clinical testing. Allele origin: germline.